The following is an entry in ClinVar:

NM_001267550.2(TTN):c.8938_8939insTTGG (p.Ala2980fs)

Gene: TTN (titin; minus strand). Cytogenetic location: 2q31.2.
Variant type: Insertion.
Coding change: c.8938_8939insTTGG on transcript NM_001267550.2 (MANE Select); coding-DNA positions 8938 to 8939, TTGG inserted.
Protein change: p.Ala2980fs; shifts the reading frame from alanine 2980.
Molecular consequence: frameshift variant.
Genome position: GRCh38 VCF-style: chr2-178768897-G-GCCAA. GRCh37 (hg19) VCF-style: chr2-179633624-G-GCCAA.
Other names: c.8938_8939insTTGG, p.Ala2980fs (NM_001256850.1, NM_133378.4, NM_133379.5); c.8800_8801insTTGG, p.Ala2934fs (NM_003319.4, NM_133432.3, NM_133437.4); short protein forms A2980fs, A2934fs.
Identifiers: ClinVar variation 2922453 (VCV002922453.3), dbSNP rs2532405250, ClinGen allele CA2740096297.

ClinVar aggregate classification (germline): Likely pathogenic (1 of 4 stars; one submission).

Conditions:
Dilated cardiomyopathy 1G (CMD1G). Identifiers: Orphanet 154, MedGen C1858763, MONDO:0011400, OMIM 604145.
Autosomal recessive limb-girdle muscular dystrophy type 2J (LGMDR10). Also called: Limb-girdle muscular dystrophy, type 2J; MUSCULAR DYSTROPHY, LIMB-GIRDLE, AUTOSOMAL RECESSIVE 10. Identifiers: Orphanet 140922, MedGen C1837342, MONDO:0012127, OMIM 608807.

Submission:

Labcorp Genetics (formerly Invitae), Labcorp
Classification: Likely pathogenic for Dilated cardiomyopathy 1G; Autosomal recessive limb-girdle muscular dystrophy type 2J. Last evaluated: 2024-01-25. Review status: criteria provided, single submitter. Criteria: Invitae Variant Classification Sherloc (09022015). Collection method: clinical testing. Allele origin: germline.
Comment: This sequence change creates a premature translational stop signal (p.Ala2980Valfs*3) in the TTN gene. While this is not anticipated to result in nonsense mediated decay, it is expected to create a truncated TTN protein. This variant is not present in population databases (gnomAD no frequency). This variant has not been reported in the literature in individuals affected with TTN-related conditions. This variant is located in the I band of TTN (PMID: 25589632). Truncating variants in this region have been reported in individuals affected with autosomal recessive centronuclear myopathy (PMID: 23975875, Invitae internal data). Truncating variants in this region have also been identified in individuals affected with autosomal dominant dilated cardiomyopathy and/or cardio-related conditions (PMID: 27869827, 32964742, Invitae internal data). In summary, the currently available evidence indicates that the variant is pathogenic, but additional data are needed to prove that conclusively. Therefore, this variant has been classified as Likely Pathogenic.

Literature cited by the submitters: PubMed 25589632; PubMed 23975875; PubMed 27869827; PubMed 32964742.